The following is an entry in ClinVar:

NM_001206744.2(TPO):c.1270del (p.Leu424fs)

Gene: TPO (thyroid peroxidase; plus strand). Cytogenetic location: 2p25.3.
Variant type: Deletion.
Coding change: c.1270del on transcript NM_001206744.2 (MANE Select); coding-DNA position 1270, one base deleted (C; older notation c.1270delC).
Protein change: p.Leu424fs; shifts the reading frame from leucine 424.
Molecular consequence: frameshift variant. On other transcripts: intron variant (1).
Genome position (GRCh38, 1-based): chr2:1,477,536, C deleted; the last of 3 consecutive C bases (chr2:1,477,534-1,477,536); deleting any one gives the same sequence. VCF-style (leftmost placement, unchanged base first): chr2-1477533-GC-G. GRCh37 (hg19) VCF-style: chr2-1481305-GC-G.
Other names: c.1270del, p.Leu424fs (NM_000547.6, NM_001206745.2, NM_175719.4 and 1 more transcripts); c.820-7060del (NM_175722.3); short protein forms L424fs.
Identifiers: ClinVar variation 2970290 (VCV002970290.3), dbSNP rs1288935529, ClinGen allele CA530403759.

ClinVar aggregate classification (germline): Pathogenic (1 of 4 stars; one submission).

Submission:

Labcorp Genetics (formerly Invitae), Labcorp
Classification: Pathogenic. Last evaluated: 2023-02-15. Review status: criteria provided, single submitter. Criteria: Invitae Variant Classification Sherloc (09022015). Collection method: clinical testing. Allele origin: germline.
Comment: For these reasons, this variant has been classified as Pathogenic. This variant has not been reported in the literature in individuals affected with TPO-related conditions. This variant is not present in population databases (gnomAD no frequency). This sequence change creates a premature translational stop signal (p.Leu424Serfs*27) in the TPO gene. It is expected to result in an absent or disrupted protein product. Loss-of-function variants in TPO are known to be pathogenic (PMID: 11061528, 23236987, 25564141).

Literature cited by the submitters: PubMed 11061528; PubMed 23236987; PubMed 25564141.